The following is an entry in ClinVar:

NM_000936.4(PNLIP):c.460-3C>T

Gene: PNLIP (pancreatic lipase; plus strand). Cytogenetic location: 10q25.3.
Variant type: single nucleotide variant.
Coding change: c.460-3C>T on transcript NM_000936.4 (MANE Select); 3 bases into the intron before coding-DNA position 460, C replaced by T.
Molecular consequence: intron variant.
Genome position (GRCh38, 1-based): chr10:116,553,724, C>T. VCF-style: chr10-116553724-C-T. GRCh37 (hg19) VCF-style: chr10-118313236-C-T.
Identifiers: ClinVar variation 2856811 (VCV002856811.3), dbSNP rs1412896974, ClinGen allele CA596150126.

ClinVar aggregate classification (germline): Uncertain significance (1 of 4 stars; one submission).

Allele frequency attached by ClinVar (database versions not stated): gnomAD exomes below 0.00001; TOPMed below 0.00001.
gnomAD v4.1: 2 of 1,593,922 alleles (0.00013%); highest among the groups gnomAD compares: Non-Finnish European, 0.00017%; no homozygotes.

Submission:

Labcorp Genetics (formerly Invitae), Labcorp
Classification: Uncertain significance. Last evaluated: 2022-11-03. Review status: criteria provided, single submitter. Criteria: Invitae Variant Classification Sherloc (09022015). Collection method: clinical testing. Allele origin: germline.
Comment: In summary, the available evidence is currently insufficient to determine the role of this variant in disease. Therefore, it has been classified as a Variant of Uncertain Significance. Variants that disrupt the consensus splice site are a relatively common cause of aberrant splicing (PMID: 17576681, 9536098). Algorithms developed to predict the effect of sequence changes on RNA splicing suggest that this variant is not likely to affect RNA splicing. This variant has not been reported in the literature in individuals affected with PNLIP-related conditions. This variant is present in population databases (no rsID available, gnomAD 0.003%). This sequence change falls in intron 5 of the PNLIP gene. It does not directly change the encoded amino acid sequence of the PNLIP protein. It affects a nucleotide within the consensus splice site.

Literature cited by the submitters: PubMed 17576681; PubMed 9536098.